The following is an entry in ClinVar:

ClinVar aggregate classification (germline): Benign/Likely benign. Review status: criteria provided, multiple submitters, no conflicts (2 of 4 stars). 4 submissions from 4 submitters: Benign (1); Likely benign (3). Last evaluated 2024-09-14.

Conditions:
Hereditary cancer-predisposing syndrome. Also called: Hereditary neoplastic syndrome; Neoplastic Syndromes, Hereditary; Tumor predisposition; Hereditary Cancer Syndrome. Identifiers: Orphanet 140162, MedGen C0027672, MeSH D009386, MONDO:0015356.
Fanconi anemia complementation group J. Also called: BRIP1-Related Fanconi Anemia. Identifiers: Orphanet 84, MedGen C1836860, MONDO:0012187, OMIM 609054.
Familial cancer of breast. Also called: BREAST CANCER, FAMILIAL; Hereditary breast cancer; hereditary breast carcinoma. Identifiers: Orphanet 227535, MedGen C0346153, MONDO:0016419, OMIM 114480. Disease mechanism: loss of function.

Allele frequency attached by ClinVar (database versions not stated): gnomAD exomes below 0.00001 and 0.00001; ExAC 0.00001; gnomAD 0.00001; TOPMed 0.00001; 1000 Genomes Project 30x 0.00016; 1000 Genomes Project 0.00020.
gnomAD v4.1: 2 of 1,613,982 alleles (0.00012%); highest among the groups gnomAD compares: Admixed American, 0.0017%; no homozygotes.

Submissions (4):

Labcorp Genetics (formerly Invitae), Labcorp
Classification: Likely benign for Familial cancer of breast; Fanconi anemia complementation group J. Last evaluated: 2024-09-14. Review status: criteria provided, single submitter. Criteria: Invitae Variant Classification Sherloc (09022015). Collection method: clinical testing. Allele origin: germline.

Myriad Genetics, Inc.
Classification: Benign for Familial cancer of breast. Last evaluated: 2024-08-22. Review status: criteria provided, single submitter. Criteria: Myriad Autosomal Dominant, Autosomal Recessive and X-Linked Classification Criteria (2023). Collection method: clinical testing. Allele origin: unknown.
Comment: This variant is considered benign. This variant is a silent/synonymous amino acid change and it is not expected to impact splicing.

Color Diagnostics, LLC DBA Color Health
Classification: Likely benign for Hereditary cancer-predisposing syndrome. Last evaluated: 2017-12-04. Review status: criteria provided, single submitter. Criteria: ACMG Guidelines, 2015. Collection method: clinical testing. Allele origin: germline.

Ambry Genetics
Classification: Likely benign for Hereditary cancer-predisposing syndrome. Last evaluated: 2017-02-28. Review status: criteria provided, single submitter. Criteria: Ambry Variant Classification Scheme 2023. Collection method: clinical testing. Allele origin: germline.

NM_032043.3(BRIP1):c.714A>G (p.Thr238=)

Gene: BRIP1 (BRCA1 interacting DNA helicase 1; minus strand). Cytogenetic location: 17q23.2.
Variant type: single nucleotide variant.
Coding change: c.714A>G on transcript NM_032043.3 (MANE Select); coding-DNA position 714, A replaced by G.
Protein change: p.Thr238=; no amino-acid change (threonine 238 retained).
Molecular consequence: synonymous variant.
Genome position (GRCh38, 1-based): chr17:61,808,671, T>C on the plus strand (A>G on the coding strand, the complement: BRIP1 is on the minus strand). VCF-style: chr17-61808671-T-C. GRCh37 (hg19) VCF-style: chr17-59886032-T-C.
Identifiers: ClinVar variation 485462 (VCV000485462.18), dbSNP rs548018916, ClinGen allele CA8690853.
Genomic context (GRCh38, chr17:61,808,671, plus strand): 5'-CTGAGCAATCTGCTTGTGTGTGCGTGTCCCAAAATATATTTTGGGTATCTTGGATTTCCC[T>C]GTATGATCCTTCTTAATGGTATTCGATGACTCTTGACTGTTTCCTTGTTTAGTAGAACAA-3'
Protein context (NP_114432.2, residues 228-248): ESSNTIKKDH[Thr238=]GKSKIPKIYF